The following is an entry in ClinVar:

ClinVar aggregate classification (germline): Uncertain significance. Review status: criteria provided, multiple submitters, no conflicts (2 of 4 stars). 3 submissions from 3 submitters: Uncertain significance (3). Last evaluated 2024-05-07.

Conditions:
Cardiovascular phenotype. Identifiers: MedGen CN230736.
Autosomal recessive limb-girdle muscular dystrophy type 2J (LGMDR10). Also called: Limb-girdle muscular dystrophy, type 2J; MUSCULAR DYSTROPHY, LIMB-GIRDLE, AUTOSOMAL RECESSIVE 10. Identifiers: Orphanet 140922, MedGen C1837342, MONDO:0012127, OMIM 608807.
Dilated cardiomyopathy 1G (CMD1G). Identifiers: Orphanet 154, MedGen C1858763, MONDO:0011400, OMIM 604145.

Allele frequency attached by ClinVar (database versions not stated): gnomAD 0.00002 and 0.00005; TOPMed 0.00002.
gnomAD v4.1: 26 of 1,613,226 alleles (0.0016%); highest among the groups gnomAD compares: East Asian, 0.013%; no homozygotes.

Submissions (3):

Mayo Clinic Laboratories, Mayo Clinic
Classification: Uncertain significance. Last evaluated: 2024-05-07. Review status: criteria provided, single submitter. Criteria: ACMG Guidelines, 2015. Collection method: clinical testing. Allele origin: germline. Observed: 1 variant allele.
Comment: PM2_moderate

Ambry Genetics
Classification: Uncertain significance for Cardiovascular phenotype. Last evaluated: 2020-09-21. Review status: criteria provided, single submitter. Criteria: Ambry Variant Classification Scheme 2023. Collection method: clinical testing. Allele origin: germline.
Comment: The p.D13249Y variant (also known as c.39745G>T), located in coding exon 144 of the TTN gene, results from a G to T substitution at nucleotide position 39745. The aspartic acid at codon 13249 is replaced by tyrosine, an amino acid with highly dissimilar properties. This amino acid position is not well conserved in available vertebrate species, and tyrosine is the reference amino acid in other vertebrate species. In addition, this alteration is predicted to be tolerated by in silico analysis. Since supporting evidence is limited at this time, the clinical significance of this alteration remains unclear.

Labcorp Genetics (formerly Invitae), Labcorp
Classification: Uncertain significance for Dilated cardiomyopathy 1G; Autosomal recessive limb-girdle muscular dystrophy type 2J. Last evaluated: 2017-12-29. Review status: criteria provided, single submitter. Criteria: Invitae Variant Classification Sherloc (09022015). Collection method: clinical testing. Allele origin: germline.

Literature cited by the submitters: PubMed 27662471 (cited by Mayo Clinic Laboratories, Mayo Clinic); PubMed 38438525 (cited by Mayo Clinic Laboratories, Mayo Clinic).

NM_001267550.2(TTN):c.66940G>T (p.Asp22314Tyr)

Genes: TTN (titin; minus strand), TTN-AS1 (TTN antisense RNA 1; plus strand). Cytogenetic location: 2q31.2.
Variant type: single nucleotide variant.
Coding change: c.66940G>T on transcript NM_001267550.2 (MANE Select); coding-DNA position 66940, G replaced by T.
Protein change: p.Asp22314Tyr; replaces aspartic acid 22314 with tyrosine.
Molecular consequence: missense variant.
Genome position (GRCh38, 1-based): chr2:178,580,439, C>A on the plus strand (G>T on the coding strand, the complement: TTN is on the minus strand). VCF-style: chr2-178580439-C-A. GRCh37 (hg19) VCF-style: chr2-179445166-C-A.
Other names: p.Asp19746Tyr; c.62017G>T, p.Asp20673Tyr (NM_001256850.1); c.39745G>T, p.Asp13249Tyr (NM_003319.4); c.59236G>T, p.Asp19746Tyr (NM_133378.4); c.40120G>T, p.Asp13374Tyr (NM_133432.3); c.40321G>T, p.Asp13441Tyr (NM_133437.4); short protein forms D22314Y, D13441Y, D19746Y, D20673Y, D13249Y, D13374Y.
Identifiers: ClinVar variation 535632 (VCV000535632.6), dbSNP rs768380109, ClinGen allele CA1991400.